The following is an entry in ClinVar:

NM_000165.5(GJA1):c.896G>A (p.Arg299His)

Gene: GJA1 (gap junction protein alpha 1; plus strand). Cytogenetic location: 6q22.31.
Variant type: single nucleotide variant.
Coding change: c.896G>A on transcript NM_000165.5 (MANE Select); coding-DNA position 896, G replaced by A.
Protein change: p.Arg299His; replaces arginine 299 with histidine.
Molecular consequence: missense variant.
Genome position (GRCh38, 1-based): chr6:121,447,743, G>A. VCF-style: chr6-121447743-G-A. GRCh37 (hg19) VCF-style: chr6-121768889-G-A.
Other names: c.896G>A (NM_000165.4); short protein forms R299H.
Identifiers: ClinVar variation 1430383 (VCV001430383.8), dbSNP rs778457698, ClinGen allele CA365560008.
Genomic context (GRCh38, chr6:121,447,743, plus strand): 5'-CGCCTATGTCTCCTCCTGGGTACAAGCTGGTTACTGGCGACAGAAACAATTCTTCTTGCC[G>A]CAATTACAACAAGCAAGCAAGTGAGCAAAACTGGGCTAATTACAGTGCAGAACAAAATCG-3'
Protein context (NP_000156.1, residues 289-309): VTGDRNNSSC[Arg299His]NYNKQASEQN

ClinVar aggregate classification (germline): Uncertain significance. Review status: criteria provided, multiple submitters, no conflicts (2 of 4 stars). 3 submissions from 3 submitters: Uncertain significance (3). Last evaluated 2025-12-23.

Conditions:
GJA1-related disorder. Also called: GJA1-related condition.
Oculodentodigital dysplasia, autosomal recessive. Also called: OCULODENTOOSSEOUS DYSPLASIA, AUTOSOMAL RECESSIVE; ODDD, AUTOSOMAL RECESSIVE; ODOD, AUTOSOMAL RECESSIVE. Identifiers: Orphanet 2710, MedGen C2749477, MONDO:0009768, OMIM 257850.

Allele frequency attached by ClinVar (database versions not stated): gnomAD 0.00001.

Submissions (3):

PreventionGenetics, part of Exact Sciences
Classification: Uncertain significance for GJA1-related condition. Last evaluated: 2025-12-23. Review status: criteria provided, single submitter. Criteria: ACMG Guidelines, 2015. Collection method: clinical testing. Allele origin: germline.
Comment: The GJA1 c.896G>A variant is predicted to result in the amino acid substitution p.Arg299His. To our knowledge, this variant has not been reported in the literature. This variant is reported in 0.0015% of alleles in individuals of European (Non-Finnish) descent in gnomAD. At this time, the clinical significance of this variant is uncertain due to the absence of conclusive functional and genetic evidence.

Labcorp Genetics (formerly Invitae), Labcorp
Classification: Uncertain significance for Oculodentodigital dysplasia, autosomal recessive. Last evaluated: 2025-04-07. Review status: criteria provided, single submitter. Criteria: Invitae Variant Classification Sherloc (09022015). Collection method: clinical testing. Allele origin: germline.
Comment: This sequence change replaces arginine, which is basic and polar, with histidine, which is basic and polar, at codon 299 of the GJA1 protein (p.Arg299His). This variant is present in population databases (no rsID available, gnomAD 0.002%). This variant has not been reported in the literature in individuals affected with GJA1-related conditions. ClinVar contains an entry for this variant (Variation ID: 1430383). Invitae Evidence Modeling of protein sequence and biophysical properties (such as structural, functional, and spatial information, amino acid conservation, physicochemical variation, residue mobility, and thermodynamic stability) has been performed for this missense variant. However, the output from this modeling did not meet the statistical confidence thresholds required to predict the impact of this variant on GJA1 protein function. In summary, the available evidence is currently insufficient to determine the role of this variant in disease. Therefore, it has been classified as a Variant of Uncertain Significance.

Blueprint Genetics
Classification: Uncertain significance. Last evaluated: 2024-09-20. Review status: criteria provided, single submitter. Criteria: ACMG Guidelines, 2015. Collection method: clinical testing. Allele origin: germline.